The following is an entry in ClinVar:

ClinVar aggregate classification (germline): Uncertain significance. Review status: criteria provided, multiple submitters, no conflicts (2 of 4 stars). 2 submissions from 2 submitters: Uncertain significance (2). Last evaluated 2026-01-05.

Conditions:
Noonan syndrome (NS). Also called: Noonan's syndrome. Identifiers: Orphanet 648, MedGen C0028326, MeSH D009634, MONDO:0018997. Disease mechanism: gain of function.
Noonan syndrome 9 (NS9). Identifiers: Orphanet 648, MedGen C4225282, MONDO:0014691, OMIM 616559.

Allele frequency attached by ClinVar (database versions not stated): gnomAD exomes below 0.00001.
gnomAD v4.1: 3 of 1,531,924 alleles (0.0002%); highest among the groups gnomAD compares: Non-Finnish European, 0.00026%; no homozygotes.

Submissions (2):

Labcorp Genetics (formerly Invitae), Labcorp
Classification: Uncertain significance for Noonan syndrome 9. Last evaluated: 2026-01-05. Review status: criteria provided, single submitter. Criteria: Invitae Variant Classification Sherloc (09022015). Collection method: clinical testing. Allele origin: germline.
Comment: This sequence change replaces proline, which is neutral and non-polar, with leucine, which is neutral and non-polar, at codon 1177 of the SOS2 protein (p.Pro1177Leu). This variant is not present in population databases (gnomAD no frequency). This variant has not been reported in the literature in individuals affected with SOS2-related conditions. ClinVar contains an entry for this variant (Variation ID: 585114). Invitae Evidence Modeling of protein sequence and biophysical properties (such as structural, functional, and spatial information, amino acid conservation, physicochemical variation, residue mobility, and thermodynamic stability) indicates that this missense variant is not expected to disrupt SOS2 protein function with a negative predictive value of 95%. In summary, the available evidence is currently insufficient to determine the role of this variant in disease. Therefore, it has been classified as a Variant of Uncertain Significance.

GeneDx
Classification: Uncertain significance. Last evaluated: 2020-05-04. Review status: criteria provided, single submitter. Criteria: GeneDx Variant Classification Process June 2021. Collection method: clinical testing. Allele origin: germline. Affected: yes.
Comment: Not observed in large population cohorts (Lek et al., 2016); In silico analysis supports that this missense variant has a deleterious effect on protein structure/function; Has not been previously published as pathogenic or benign to our knowledge

NM_006939.4(SOS2):c.3530C>T (p.Pro1177Leu)

Gene: SOS2 (SOS Ras/Rho guanine nucleotide exchange factor 2; minus strand). Cytogenetic location: 14q21.3.
Variant type: single nucleotide variant.
Coding change: c.3530C>T on transcript NM_006939.4 (MANE Select); coding-DNA position 3530, C replaced by T.
Protein change: p.Pro1177Leu; replaces proline 1177 with leucine.
Molecular consequence: missense variant.
Genome position (GRCh38, 1-based): chr14:50,118,813, G>A on the plus strand (C>T on the coding strand, the complement: SOS2 is on the minus strand). VCF-style: chr14-50118813-G-A. GRCh37 (hg19) VCF-style: chr14-50585531-G-A.
Other names: short protein forms P1177L.
Identifiers: ClinVar variation 585114 (VCV000585114.8), dbSNP rs1566814839, ClinGen allele CA389638725.
Genomic context (GRCh38, chr14:50,118,813, plus strand): 5'-TCAAATGCACCAGTAGGAACAGGAACTCTGGGTTTTACCTTTGGAGGAGGAGGCTGTCTC[G>A]GTGGAATAGCAGGAGGATCATCATCAGATTTCATATTTCCCTCAAAAAAAAAAGTAATTA-3'
Protein context (NP_008870.2, residues 1167-1187): KSDDDPPAIP[Pro1177Leu]RQPPPPKVKP